The following is an entry in ClinVar:

ClinVar aggregate classification (germline): Uncertain significance (1 of 4 stars; one submission).

Submission:

Ambry Genetics
Classification: Uncertain significance. Last evaluated: 2021-10-20. Review status: criteria provided, single submitter. Criteria: Ambry Variant Classification Scheme 2023. Collection method: clinical testing. Allele origin: germline.
Comment: The p.A226E variant (also known as c.677C>A), located in coding exon 8 of the BUB1 gene, results from a C to A substitution at nucleotide position 677. The alanine at codon 226 is replaced by glutamic acid, an amino acid with dissimilar properties. This amino acid position is conserved. In addition, this alteration is predicted to be tolerated by in silico analysis. Since supporting evidence is limited at this time, the clinical significance of this alteration remains unclear.

NM_004336.5(BUB1):c.677C>A (p.Ala226Glu)

Gene: BUB1 (BUB1 mitotic checkpoint serine/threonine kinase; minus strand). Cytogenetic location: 2q13.
Variant type: single nucleotide variant.
Coding change: c.677C>A on transcript NM_004336.5 (MANE Select); coding-DNA position 677, C replaced by A.
Protein change: p.Ala226Glu; replaces alanine 226 with glutamic acid.
Molecular consequence: missense variant.
Genome position (GRCh38, 1-based): chr2:110,667,649, G>T on the plus strand (C>A on the coding strand, the complement: BUB1 is on the minus strand). VCF-style: chr2-110667649-G-T. GRCh37 (hg19) VCF-style: chr2-111425226-G-T.
Other names: c.617C>A, p.Ala206Glu (NM_001278616.2); c.677C>A, p.Ala226Glu (NM_001278617.2); short protein forms A226E, A206E.
Identifiers: ClinVar variation 1755380 (VCV001755380.2), dbSNP rs61730706, ClinGen allele CA348217900.